The following is an entry in ClinVar:

ClinVar aggregate classification (germline): Uncertain significance (1 of 4 stars; one submission).

Conditions:
Inborn genetic diseases. Identifiers: MedGen C0950123, MeSH D030342.

Allele frequency attached by ClinVar (database versions not stated): gnomAD exomes below 0.00001.
gnomAD v4.1: 4 of 1,614,152 alleles (0.00025%); highest among the groups gnomAD compares: Non-Finnish European, 0.00034%; no homozygotes.

Submission:

Ambry Genetics
Classification: Uncertain significance for Inborn genetic diseases. Last evaluated: 2023-12-21. Review status: criteria provided, single submitter. Criteria: Ambry Variant Classification Scheme 2023. Collection method: clinical testing. Allele origin: germline.
Comment: The p.P522L variant (also known as c.1565C>T), located in coding exon 12 of the ACD gene, results from a C to T substitution at nucleotide position 1565. The proline at codon 522 is replaced by leucine, an amino acid with similar properties. This amino acid position is conserved. In addition, the in silico prediction for this alteration is inconclusive. Since supporting evidence is limited at this time, the clinical significance of this alteration remains unclear.

NM_001082486.2(ACD):c.1307C>T (p.Pro436Leu)

Gene: ACD (ACD shelterin complex subunit and telomerase recruitment factor; minus strand). Cytogenetic location: 16q22.1.
Variant type: single nucleotide variant.
Coding change: c.1307C>T on transcript NM_001082486.2 (MANE Select); coding-DNA position 1307, C replaced by T.
Protein change: p.Pro436Leu; replaces proline 436 with leucine.
Molecular consequence: missense variant.
Genome position (GRCh38, 1-based): chr16:67,657,676, G>A on the plus strand (C>T on the coding strand, the complement: ACD is on the minus strand). VCF-style: chr16-67657676-G-A. GRCh37 (hg19) VCF-style: chr16-67691579-G-A.
Other names: c.1220C>T, p.Pro407Leu (NM_001410884.1); c.1298C>T, p.Pro433Leu (NM_022914.3); short protein forms P407L, P433L, P436L.
Identifiers: ClinVar variation 3232649 (VCV003232649.1), dbSNP rs2543595938, ClinGen allele CA396349723.